The following is an entry in ClinVar:

NM_001366385.1(CARD14):c.2488G>C (p.Val830Leu)

Genes: SGSH (N-sulfoglucosamine sulfohydrolase; minus strand), CARD14 (caspase recruitment domain family member 14; plus strand), LOC126862662 (MED14-independent group 3 enhancer GRCh37_chr17:78178385-78179584; plus strand). Cytogenetic location: 17q25.3.
Variant type: single nucleotide variant.
Coding change: c.2488G>C on transcript NM_001366385.1 (MANE Select); coding-DNA position 2488, G replaced by C.
Protein change: p.Val830Leu; replaces valine 830 with leucine.
Molecular consequence: missense variant. On other transcripts: non-coding transcript variant (1).
Genome position (GRCh38, 1-based): chr17:80,205,124, G>C. VCF-style: chr17-80205124-G-C. GRCh37 (hg19) VCF-style: chr17-78178923-G-C.
Other names: c.2488G>C, p.Val830Leu (NM_024110.4); short protein forms V830L.
Identifiers: ClinVar variation 4793389 (VCV004793389.1).

ClinVar aggregate classification (germline): Uncertain significance (1 of 4 stars; one submission).

Conditions:
Psoriasis 2. Identifiers: MedGen C1864497, MONDO:0011269, OMIM 602723.
Pityriasis rubra pilaris (PRP). Also called: Pityriasis rubra pilaris--familial type. Identifiers: Orphanet 2897, MedGen C0032027, MONDO:0100017, OMIM 173200, MONDO:0008251.

Submission:

Labcorp Genetics (formerly Invitae), Labcorp
Classification: Uncertain significance for Pityriasis rubra pilaris; Psoriasis 2. Last evaluated: 2025-04-22. Review status: criteria provided, single submitter. Criteria: Invitae Variant Classification Sherloc (09022015). Collection method: clinical testing. Allele origin: germline.
Comment: This sequence change replaces valine, which is neutral and non-polar, with leucine, which is neutral and non-polar, at codon 830 of the CARD14 protein (p.Val830Leu). This variant is not present in population databases (gnomAD no frequency). This variant has not been reported in the literature in individuals affected with CARD14-related conditions. Invitae Evidence Modeling of protein sequence and biophysical properties (such as structural, functional, and spatial information, amino acid conservation, physicochemical variation, residue mobility, and thermodynamic stability) indicates that this missense variant is not expected to disrupt CARD14 protein function with a negative predictive value of 95%. In summary, the available evidence is currently insufficient to determine the role of this variant in disease. Therefore, it has been classified as a Variant of Uncertain Significance.